The following is an entry in ClinVar:

NM_153766.3(KCNJ1):c.220T>G (p.Phe74Val)

Gene: KCNJ1 (potassium inwardly rectifying channel subfamily J member 1; minus strand). Cytogenetic location: 11q24.3.
Variant type: single nucleotide variant.
Coding change: c.220T>G on transcript NM_153766.3 (MANE Select); coding-DNA position 220, T replaced by G.
Protein change: p.Phe74Val; replaces phenylalanine 74 with valine.
Molecular consequence: missense variant.
Genome position (GRCh38, 1-based): chr11:128,840,024, A>C on the plus strand (T>G on the coding strand, the complement: KCNJ1 is on the minus strand). VCF-style: chr11-128840024-A-C. GRCh37 (hg19) VCF-style: chr11-128709919-A-C.
Other names: c.277T>G, p.Phe93Val (NM_000220.6); c.220T>G, p.Phe74Val (NM_153764.3, NM_153767.4); c.271T>G, p.Phe91Val (NM_153765.3); short protein forms F74V, F91V, F93V.
Identifiers: ClinVar variation 2735788 (VCV002735788.3), dbSNP rs751116693, ClinGen allele CA6357552.

ClinVar aggregate classification (germline): Uncertain significance. Review status: criteria provided, multiple submitters, no conflicts (2 of 4 stars). 2 submissions from 2 submitters: Uncertain significance (2). Last evaluated 2024-01-29.

Conditions:
Bartter disease type 2. Also called: HYPOKALEMIC ALKALOSIS WITH HYPERCALCIURIA 2, ANTENATAL; HYPERPROSTAGLANDIN E SYNDROME 2; Bartter syndrome, type 2, antenatal. Identifiers: Orphanet 112, Orphanet 620220, MedGen C1855849, MONDO:0009424, OMIM 241200.

Allele frequency attached by ClinVar (database versions not stated): ExAC 0.00001; gnomAD 0.00001; gnomAD exomes 0.00001; TOPMed 0.00001.
gnomAD v4.1: 12 of 1,613,842 alleles (0.00074%); highest among the groups gnomAD compares: Non-Finnish European, 0.001%; no homozygotes.

Submissions (2):

Fulgent Genetics
Classification: Uncertain significance for Bartter disease type 2. Last evaluated: 2024-01-29. Review status: criteria provided, single submitter. Criteria: ACMG Guidelines, 2015. Collection method: clinical testing. Allele origin: germline.

Labcorp Genetics (formerly Invitae), Labcorp
Classification: Uncertain significance. Last evaluated: 2023-06-25. Review status: criteria provided, single submitter. Criteria: Invitae Variant Classification Sherloc (09022015). Collection method: clinical testing. Allele origin: germline.
Comment: In summary, the available evidence is currently insufficient to determine the role of this variant in disease. Therefore, it has been classified as a Variant of Uncertain Significance. An algorithm developed to predict the effect of missense changes on protein structure and function (PolyPhen-2) suggests that this variant is likely to be disruptive. This missense change has been observed in individuals with Bartter syndrome (PMID: 20219833, 29942493). This variant is present in population databases (rs751116693, gnomAD 0.002%). This sequence change replaces phenylalanine, which is neutral and non-polar, with valine, which is neutral and non-polar, at codon 93 of the KCNJ1 protein (p.Phe93Val).

Literature cited by the submitters: PubMed 20219833 (cited by Labcorp Genetics (formerly Invitae), Labcorp); PubMed 29942493 (cited by Labcorp Genetics (formerly Invitae), Labcorp).